The following is an entry in ClinVar:

NM_000781.3(CYP11A1):c.633del (p.Asn212fs)

Gene: CYP11A1 (cytochrome P450 family 11 subfamily A member 1; minus strand). Cytogenetic location: 15q24.1.
Variant type: Deletion.
Coding change: c.633del on transcript NM_000781.3 (MANE Select); coding-DNA position 633, one base deleted (T; older notation c.633delT).
Protein change: p.Asn212fs; shifts the reading frame from asparagine 212.
Molecular consequence: frameshift variant.
Genome position (GRCh38, 1-based): chr15:74,343,985, A deleted on the plus strand (T on the coding strand, the reverse complement: CYP11A1 is on the minus strand). VCF-style (leftmost placement, unchanged base first): chr15-74343984-TA-T. GRCh37 (hg19) VCF-style: chr15-74636325-TA-T.
Other names: c.159del, p.Asn54fs (NM_001099773.2); short protein forms N212fs, N54fs.
Identifiers: ClinVar variation 5016261 (VCV005016261.1).
Genomic context (GRCh38, chr15:74,343,984, plus strand): 5'-GCTGGGCCTCGGGGTTCACTACTTCCTCCAGCATCCCCTGGCGCTCCCCAAAAATGACGT[TA>T]GTGATGGCTGCAGGGAGAGGAAGAGGCTGAGGAGCCATTTCTGACGGGGCCATCTGAGAG-3'

ClinVar aggregate classification (germline): Pathogenic (1 of 4 stars; one submission).

Conditions:
Congenital adrenal insufficiency with 46, XY sex reversal OR 46,XY disorder of sex development-adrenal insufficiency due to CYP11A1 deficiency. Also called: P450scc DEFICIENCY; Congenital adrenal insuffiency with 46, XY sex reversal OR 46,XY disorder of sex development-adrenal insufficiency due to CYP11A1 deficiency. Identifiers: Orphanet 168558, MedGen C3151055, MONDO:0013400, OMIM 613743.

Submission:

Myriad Genetics, Inc.
Classification: Pathogenic for Congenital adrenal insufficiency with 46, XY sex reversal OR 46,XY disorder of sex development-adrenal insufficiency due to CYP11A1 deficiency. Last evaluated: 2026-08-21. Review status: criteria provided, single submitter. Criteria: Myriad Autosomal Dominant, Autosomal Recessive and X-Linked Classification Criteria (2023). Collection method: clinical testing. Allele origin: unknown.
Comment: NM_000781.2(CYP11A1):c.633delT(N212Tfs*14) is expected to be pathogenic in the context of congenital adrenal hyperplasia, CYP11A1-related. This variant is predicted to lead to an abnormal or absent protein product due to the creation of a premature termination codon in CYP11A1, a gene where loss-of-function variants are known to be pathogenic. Please note: this variant was assessed in the context of healthy population screening.